The following is an entry in ClinVar:

NM_000203.5(IDUA):c.416A>C (p.His139Pro)

Gene: IDUA (alpha-L-iduronidase; plus strand). Cytogenetic location: 4p16.3.
Variant type: single nucleotide variant.
Coding change: c.416A>C on transcript NM_000203.5 (MANE Select); coding-DNA position 416, A replaced by C.
Protein change: p.His139Pro; replaces histidine 139 with proline.
Molecular consequence: missense variant. On other transcripts: non-coding transcript variant (1).
Genome position (GRCh38, 1-based): chr4:1,000,912, A>C. VCF-style: chr4-1000912-A-C. GRCh37 (hg19) VCF-style: chr4-994700-A-C.
Other names: c.20A>C, p.His7Pro (NM_001363576.1); short protein forms H7P, H139P.
Identifiers: ClinVar variation 1385521 (VCV001385521.8), dbSNP rs2153021706, ClinGen allele CA355961357.

ClinVar aggregate classification (germline): Uncertain significance. Review status: criteria provided, multiple submitters, no conflicts (2 of 4 stars). 2 submissions from 2 submitters: Uncertain significance (2). Last evaluated 2021-10-09.

Conditions:
Mucopolysaccharidosis type 1. Also called: Mucopolysaccharidosis Type I; IDUA deficiency; MPS I. Identifiers: Orphanet 579, MedGen C0023786, MONDO:0001586.

Submissions (2):

Labcorp Genetics (formerly Invitae), Labcorp
Classification: Uncertain significance for Mucopolysaccharidosis type 1. Last evaluated: 2021-10-09. Review status: criteria provided, single submitter. Criteria: Invitae Variant Classification Sherloc (09022015). Collection method: clinical testing. Allele origin: germline.
Comment: In summary, the available evidence is currently insufficient to determine the role of this variant in disease. Therefore, it has been classified as a Variant of Uncertain Significance. Advanced modeling of protein sequence and biophysical properties (such as structural, functional, and spatial information, amino acid conservation, physicochemical variation, residue mobility, and thermodynamic stability) performed at Invitae indicates that this missense variant is not expected to disrupt IDUA protein function. This variant has not been reported in the literature in individuals affected with IDUA-related conditions. This variant is not present in population databases (ExAC no frequency). This sequence change replaces histidine with proline at codon 139 of the IDUA protein (p.His139Pro). The histidine residue is weakly conserved and there is a moderate physicochemical difference between histidine and proline.

Revvity Omics, Revvity
Classification: Uncertain significance. Last evaluated: 2021-08-27. Review status: criteria provided, single submitter. Criteria: ACMG Guidelines, 2015. Collection method: clinical testing. Allele origin: germline.